The following is an entry in ClinVar:

NM_015047.3(EMC1):c.20C>T (p.Ser7Phe)

Gene: EMC1 (ER membrane protein complex subunit 1; minus strand). Cytogenetic location: 1p36.13.
Variant type: single nucleotide variant.
Coding change: c.20C>T on transcript NM_015047.3 (MANE Select); coding-DNA position 20, C replaced by T.
Protein change: p.Ser7Phe; replaces serine 7 with phenylalanine.
Molecular consequence: missense variant.
Genome position (GRCh38, 1-based): chr1:19,251,490, G>A on the plus strand (C>T on the coding strand, the complement: EMC1 is on the minus strand). VCF-style: chr1-19251490-G-A. GRCh37 (hg19) VCF-style: chr1-19577984-G-A.
Other names: c.20C>T, p.Ser7Phe (NM_001271427.2, NM_001271428.2, NM_001271429.2 and 2 more transcripts); short protein forms S7F.
Identifiers: ClinVar variation 1378894 (VCV001378894.8), dbSNP rs772583643, ClinGen allele CA653077.
Genomic context (GRCh38, chr1:19,251,490, plus strand): 5'-ACTTGGTCTTCGTAGACCGCGGCCGCAGGAATCAGCAGCGTAGCCCAAAGCCAGAAACGA[G>A]AAGCCCACTCAGCCGCCATGATGCGAGCGCATGCACCACCCACCGCCGTCCCGGCATGCA-3'
Protein context (NP_055862.1, residues 1-17): MAAEWA[Ser7Phe]RFWLWATLLI

ClinVar aggregate classification (germline): Uncertain significance (1 of 4 stars; one submission).

Allele frequency attached by ClinVar (database versions not stated): gnomAD exomes below 0.00001 and 0.00001; ExAC 0.00001.
gnomAD v4.1: 4 of 1,614,134 alleles (0.00025%); highest among the groups gnomAD compares: Admixed American, 0.0017%; no homozygotes.

Submission:

Labcorp Genetics (formerly Invitae), Labcorp
Classification: Uncertain significance. Last evaluated: 2025-12-15. Review status: criteria provided, single submitter. Criteria: Invitae Variant Classification Sherloc (09022015). Collection method: clinical testing. Allele origin: germline.
Comment: This sequence change replaces serine, which is neutral and polar, with phenylalanine, which is neutral and non-polar, at codon 7 of the EMC1 protein (p.Ser7Phe). This variant is present in population databases (rs772583643, gnomAD 0.003%). This variant has not been reported in the literature in individuals affected with EMC1-related conditions. ClinVar contains an entry for this variant (Variation ID: 1378894). An algorithm developed to predict the effect of missense changes on protein structure and function (PolyPhen-2) suggests that this variant is likely to be tolerated. In summary, the available evidence is currently insufficient to determine the role of this variant in disease. Therefore, it has been classified as a Variant of Uncertain Significance.